The following is an entry in ClinVar:

NM_181507.2(HPS5):c.2056del (p.Glu686fs)

Gene: HPS5 (HPS5 biogenesis of lysosomal organelles complex 2 subunit 2; minus strand). Cytogenetic location: 11p15.1.
Variant type: Deletion.
Coding change: c.2056del on transcript NM_181507.2 (MANE Select); coding-DNA position 2056, one base deleted (G; older notation c.2056delG).
Protein change: p.Glu686fs; shifts the reading frame from glutamic acid 686.
Molecular consequence: frameshift variant.
Genome position (GRCh38, 1-based): chr11:18,291,826, C deleted on the plus strand (G on the coding strand, the reverse complement: HPS5 is on the minus strand). VCF-style (leftmost placement, unchanged base first): chr11-18291825-TC-T. GRCh37 (hg19) VCF-style: chr11-18313372-TC-T.
Other names: c.1714del, p.Glu572fs (NM_007216.4); c.1714delG, p.Glu572Lysfs (NM_181508.2); short protein forms E686fs, E572fs.
Identifiers: ClinVar variation 3006952 (VCV003006952.4), dbSNP rs2134285853, ClinGen allele CA2723350402.

ClinVar aggregate classification (germline): Pathogenic/Likely pathogenic. Review status: criteria provided, multiple submitters, no conflicts (2 of 4 stars). 2 submissions from 2 submitters: Pathogenic (1); Likely pathogenic (1). Last evaluated 2023-05-11.

Conditions:
HPS5-related disorder. Also called: HPS5-related condition.

Submissions (2):

Labcorp Genetics (formerly Invitae), Labcorp
Classification: Pathogenic. Last evaluated: 2023-05-11. Review status: criteria provided, single submitter. Criteria: Invitae Variant Classification Sherloc (09022015). Collection method: clinical testing. Allele origin: germline.
Comment: For these reasons, this variant has been classified as Pathogenic. This variant has not been reported in the literature in individuals affected with HPS5-related conditions. This variant is not present in population databases (gnomAD no frequency). This sequence change creates a premature translational stop signal (p.Glu686Lysfs*11) in the HPS5 gene. It is expected to result in an absent or disrupted protein product. Loss-of-function variants in HPS5 are known to be pathogenic (PMID: 12548288, 15296495, 21833017, 26785811).

Blueprint Genetics
Classification: Likely pathogenic for HPS5-related disorders. Last evaluated: 2020-07-24. Review status: criteria provided, single submitter. Criteria: ACMG Guidelines, 2015. Collection method: clinical testing. Allele origin: germline. Affected: yes. Observed: 1 variant allele.

Literature cited by the submitters: PubMed 12548288 (cited by Labcorp Genetics (formerly Invitae), Labcorp); PubMed 15296495 (cited by Labcorp Genetics (formerly Invitae), Labcorp); PubMed 21833017 (cited by Labcorp Genetics (formerly Invitae), Labcorp); PubMed 26785811 (cited by Labcorp Genetics (formerly Invitae), Labcorp).